The following is an entry in ClinVar:

ClinVar aggregate classification (germline): Pathogenic/Likely pathogenic. Review status: criteria provided, multiple submitters, no conflicts (2 of 4 stars). 2 submissions from 2 submitters: Pathogenic (1); Likely pathogenic (1). Last evaluated 2026-03-03.

Conditions:
Breast-ovarian cancer, familial, susceptibility to, 2 (BROVCA2). Also called: BRCA2 Hereditary Breast and Ovarian Cancer. Identifiers: Orphanet 145, MedGen C2675520, MONDO:0012933, OMIM 612555. Disease mechanism: loss of function.
Hereditary breast ovarian cancer syndrome. Also called: Hereditary breast and ovarian cancer syndrome; Hereditary breast and ovarian cancer; Hereditary breast and ovarian cancer syndrome (HBOC); Breast and ovarian cancer; Hereditary breast and/or ovarian cancer syndrome; BRCA1- and BRCA2-Associated Hereditary Breast and Ovarian Cancer. Identifiers: Orphanet 145, MedGen C0677776, MeSH D061325, MONDO:0003582. Disease mechanism: loss of function.

Submissions (2):

Myriad Genetics, Inc.
Classification: Pathogenic for Breast-ovarian cancer, familial, susceptibility to, 2. Last evaluated: 2026-03-03. Review status: criteria provided, single submitter. Criteria: Myriad Autosomal Dominant, Autosomal Recessive and X-Linked Classification Criteria (2023). Collection method: clinical testing. Allele origin: unknown.
Comment: This variant is considered pathogenic. This variant creates a frameshift predicted to result in premature protein truncation.

GeneKor MSA
Classification: Likely pathogenic for Hereditary breast ovarian cancer syndrome. Last evaluated: 2025-05-15. Review status: criteria provided, single submitter. Criteria: ACMG Guidelines, 2015. Collection method: clinical testing. Allele origin: germline. Affected: no.
Comment: This variant is a single nucleotide deletion in exon 11 of the BRCA2 mRNA c.( 4140del), causing a frameshift after codon 1382 and the creation of a premature translation stop signal 6 amino acid residues later, p.(Glu1382Lysfs*6). This results in the production of a truncated or non-functional protein. Loss-of-function variants in BRCA2 are known to be pathogenic (PMID:20104584). This variant is not present in population databases. Clinvar contains no entries for this variant. Based on the classification criteria set by the ACMG and AMP (PMID:25741868) this variant has been classified as likely pathogenic.

Literature cited by the submitters: PubMed 20104584 (cited by GeneKor MSA).

NM_000059.4(BRCA2):c.4140del (p.Glu1382fs)

Gene: BRCA2 (BRCA2 DNA repair associated; plus strand). Cytogenetic location: 13q13.1.
Variant type: Deletion.
Coding change: c.4140del on transcript NM_000059.4 (MANE Select); coding-DNA position 4140, one base deleted (T; older notation c.4140delT).
Protein change: p.Glu1382fs; shifts the reading frame from glutamic acid 1382.
Molecular consequence: frameshift variant. On other transcripts: non-coding transcript variant (1), intron variant (2).
Genome position (GRCh38, 1-based): chr13:32,338,495, T deleted; the last of 2 consecutive T bases (chr13:32,338,494-32,338,495); deleting either gives the same sequence. VCF-style (leftmost placement, unchanged base first): chr13-32338493-AT-A. GRCh37 (hg19) VCF-style: chr13-32912630-AT-A.
Other names: c.4140del, p.Glu1382fs (NM_001406719.1, NM_001406720.1, NM_001432077.1); c.1909+5108del (NM_001406721.1); c.425-6063del (NM_001406722.1); short protein forms E1382fs.
Identifiers: ClinVar variation 4077034 (VCV004077034.2).
Genomic context (GRCh38, chr13:32,338,493, plus strand): 5'-GATCAGCACAACATATGTCTTAAATTATCTGGCCAGTTTATGAAGGAGGGAAACACTCAG[AT>A]TAAAGAAGATTTGTCAGATTTAACTTTTTTGGAAGTTGCGAAAGCTCAAGAAGCATGTCA-3'